The following is an entry in ClinVar:

ClinVar aggregate classification (germline): Likely benign (0 of 4 stars; one submission).

Conditions:
HCN2-related disorder. Also called: HCN2-related condition.

Allele frequency attached by ClinVar (database versions not stated): gnomAD 0.00001; gnomAD exomes below 0.00001.
gnomAD v4.1: 4 of 1,612,854 alleles (0.00025%); highest among the groups gnomAD compares: South Asian, 0.0022%; no homozygotes.

Submission:

PreventionGenetics, part of Exact Sciences
Classification: Likely benign for HCN2-related condition. Last evaluated: 2019-08-14. Review status: no assertion criteria provided. Collection method: clinical testing. Allele origin: germline.
Comment: This variant is classified as likely benign based on ACMG/AMP sequence variant interpretation guidelines (Richards et al. 2015 PMID: 25741868, with internal and published modifications).

NM_001194.4(HCN2):c.1638C>T (p.Ala546=)

Gene: HCN2 (hyperpolarization activated cyclic nucleotide gated potassium and sodium channel 2; plus strand). Cytogenetic location: 19p13.3.
Variant type: single nucleotide variant.
Coding change: c.1638C>T on transcript NM_001194.4 (MANE Select); coding-DNA position 1638, C replaced by T.
Protein change: p.Ala546=; no amino-acid change (alanine 546 retained).
Molecular consequence: synonymous variant.
Genome position (GRCh38, 1-based): chr19:613,301, C>T. VCF-style: chr19-613301-C-T. GRCh37 (hg19) VCF-style: chr19-613301-C-T.
Identifiers: ClinVar variation 3035653 (VCV003035653.2), dbSNP rs1228076288, ClinGen allele CA504875554.